The following is an entry in ClinVar:

NM_002769.5(PRSS1):c.157A>C (p.Ile53Leu)

Genes: PRSS1 (serine protease 1; plus strand), TRB (T cell receptor beta locus; plus strand). Cytogenetic location: 7q34.
Variant type: single nucleotide variant.
Coding change: c.157A>C on transcript NM_002769.5 (MANE Select); coding-DNA position 157, A replaced by C.
Protein change: p.Ile53Leu; replaces isoleucine 53 with leucine.
Molecular consequence: missense variant. On other transcripts: non-coding transcript variant (4).
Genome position (GRCh38, 1-based): chr7:142,750,671, A>C. VCF-style: chr7-142750671-A-C. GRCh37 (hg19) VCF-style: chr7-142458522-A-C.
Other names: short protein forms I53L.
Identifiers: ClinVar variation 3310632 (VCV003310632.1).

ClinVar aggregate classification (germline): Uncertain significance (1 of 4 stars; one submission).

Conditions:
Hereditary pancreatitis (PCTT). Also called: PRSS1-Related Hereditary Pancreatitis; Hereditary chronic pancreatitis. Identifiers: Orphanet 676, MedGen C0238339, MONDO:0008185, OMIM 167800.

Submission:

Ambry Genetics
Classification: Uncertain significance for Hereditary pancreatitis. Last evaluated: 2024-03-25. Review status: criteria provided, single submitter. Criteria: Ambry Variant Classification Scheme 2023. Collection method: clinical testing. Allele origin: germline.
Comment: The p.I53L variant (also known as c.157A>C), located in coding exon 2 of the PRSS1 gene, results from an A to C substitution at nucleotide position 157. The isoleucine at codon 53 is replaced by leucine, an amino acid with highly similar properties. This amino acid position is conserved. In addition, the in silico prediction for this alteration is inconclusive. Based on the available evidence, the clinical significance of this alteration remains unclear.